The following is an entry in ClinVar:

ClinVar aggregate classification (germline): Likely benign. Review status: criteria provided, multiple submitters, no conflicts (2 of 4 stars). 4 submissions from 4 submitters: Likely benign (4). Last evaluated 2026-01-17.

Conditions:
Inborn genetic diseases. Identifiers: MedGen C0950123, MeSH D030342.

Allele frequency attached by ClinVar (database versions not stated): TOPMed 0.00005; gnomAD 0.00006 and 0.00009; gnomAD exomes 0.00013 and 0.00021; ExAC 0.00022.
gnomAD v4.1: 204 of 1,613,980 alleles (0.013%); highest among the groups gnomAD compares: South Asian, 0.16%; no homozygotes.

Submissions (4):

Labcorp Genetics (formerly Invitae), Labcorp
Classification: Likely benign. Last evaluated: 2026-01-17. Review status: criteria provided, single submitter. Criteria: Invitae Variant Classification Sherloc (09022015). Collection method: clinical testing. Allele origin: germline.

Blueprint Genetics
Classification: Likely benign. Last evaluated: 2024-10-25. Review status: criteria provided, single submitter. Criteria: ACMG Guidelines, 2015. Collection method: clinical testing. Allele origin: germline.

Ambry Genetics
Classification: Likely benign for Inborn genetic diseases. Last evaluated: 2024-10-02. Review status: criteria provided, single submitter. Criteria: Ambry Variant Classification Scheme 2023. Collection method: clinical testing. Allele origin: germline.

GeneDx
Classification: Likely benign. Last evaluated: 2023-03-14. Review status: criteria provided, single submitter. Criteria: GeneDx Variant Classification Process June 2021. Collection method: clinical testing. Allele origin: germline. Affected: yes.
Comment: See Variant Classification Assertion Criteria.

NM_017654.4(SAMD9):c.609A>G (p.Thr203=)

Gene: SAMD9 (sterile alpha motif domain containing 9; minus strand). Cytogenetic location: 7q21.2.
Variant type: single nucleotide variant.
Coding change: c.609A>G on transcript NM_017654.4 (MANE Select); coding-DNA position 609, A replaced by G.
Protein change: p.Thr203=; no amino-acid change (threonine 203 retained).
Molecular consequence: synonymous variant.
Genome position (GRCh38, 1-based): chr7:93,105,489, T>C on the plus strand (A>G on the coding strand, the complement: SAMD9 is on the minus strand). VCF-style: chr7-93105489-T-C. GRCh37 (hg19) VCF-style: chr7-92734802-T-C.
Other names: c.609A>G, p.Thr203= (NM_001193307.2).
Identifiers: ClinVar variation 774128 (VCV000774128.11), dbSNP rs771330035, ClinGen allele CA4343107.
Genomic context (GRCh38, chr7:93,105,489, plus strand): 5'-AGCAAATCGGAAAACCTCATTGCTAAATTTCATCTTGACATCCTCTTCTGTGGCTGTTGC[T>C]GTATTTGTGAAGGCTTTGAATTCATGTATCGGATCAATGAGATTGCCTGGTCCTGTTTCA-3'
Protein context (NP_060124.2, residues 193-213): PIHEFKAFTN[Thr203=]ATATEEDVKM